The following is an entry in ClinVar:

NM_198576.4(AGRN):c.2656C>G (p.Leu886Val)

Gene: AGRN (agrin; plus strand). Cytogenetic location: 1p36.33.
Variant type: single nucleotide variant.
Coding change: c.2656C>G on transcript NM_198576.4 (MANE Select); coding-DNA position 2656, C replaced by G.
Protein change: p.Leu886Val; replaces leucine 886 with valine.
Molecular consequence: missense variant.
Genome position (GRCh38, 1-based): chr1:1,045,852, C>G. VCF-style: chr1-1045852-C-G. GRCh37 (hg19) VCF-style: chr1-981232-C-G.
Other names: c.2656C>G, p.Leu886Val (NM_001305275.2); c.2341C>G, p.Leu781Val (NM_001364727.2); short protein forms L886V, L781V.
Identifiers: ClinVar variation 863283 (VCV000863283.1), dbSNP rs1343116368, ClinGen allele CA337841878.

ClinVar aggregate classification (germline): Uncertain significance (1 of 4 stars; one submission).

Conditions:
Congenital myasthenic syndrome 8. Also called: MYASTHENIC SYNDROME, CONGENITAL, DUE TO AGRIN DEFICIENCY; Myasthenic syndrome, congenital, 8, with pre- and postsynaptic defects. Identifiers: Orphanet 590, MedGen C3808739, MONDO:0014052, OMIM 615120.

Allele frequency attached by ClinVar (database versions not stated): gnomAD exomes below 0.00001.
gnomAD v4.1: 1 of 1,611,398 alleles (0.000062%); highest among the groups gnomAD compares: Middle Eastern, 0.017%; no homozygotes.

Submission:

Labcorp Genetics (formerly Invitae), Labcorp
Classification: Uncertain significance for Myasthenic syndrome, congenital, 8. Last evaluated: 2019-03-07. Review status: criteria provided, single submitter. Criteria: Invitae Variant Classification Sherloc (09022015). Collection method: clinical testing. Allele origin: germline.
Comment: This sequence change replaces leucine with valine at codon 886 of the AGRN protein (p.Leu886Val). The leucine residue is moderately conserved and there is a small physicochemical difference between leucine and valine. This variant is not present in population databases (ExAC no frequency). This variant has not been reported in the literature in individuals with AGRN-related conditions. Algorithms developed to predict the effect of missense changes on protein structure and function are either unavailable or do not agree on the potential impact of this missense change (SIFT: "Tolerated"; PolyPhen-2: "Possibly Damaging"; Align-GVGD: "Class C0"). In summary, the available evidence is currently insufficient to determine the role of this variant in disease. Therefore, it has been classified as a Variant of Uncertain Significance.